The following is an entry in ClinVar:

ClinVar aggregate classification (germline): Uncertain significance (1 of 4 stars; one submission).

Conditions:
Renal hypodysplasia/aplasia 3 (RHDA3). Identifiers: MedGen C4540497, MONDO:0024520, OMIM 617805.

Submission:

Juno Genomics, Hangzhou Juno Genomics, Inc
Classification: Uncertain significance for Renal hypodysplasia/aplasia 3. Review status: criteria provided, single submitter. Criteria: ACMG Guidelines, 2015. Collection method: clinical testing. Allele origin: germline.
Comment: Absent from controls (or at extremely low frequency if recessive) in Genome Aggregation Database.;Null variant in a gene where loss of function (LOF) is a known mechanism of disease.

NM_001142966.3(GREB1L):c.5608+1_5608+5del

Gene: GREB1L (GREB1 like retinoic acid receptor coactivator; plus strand). Cytogenetic location: 18q11.2.
Variant type: Deletion.
Coding change: c.5608+1_5608+5del on transcript NM_001142966.3 (MANE Select); the canonical splice donor site of the intron after coding-DNA position 5608 through 5 bases into the intron after coding-DNA position 5608, 5 bases deleted (GTAAG; older notation c.5608+1_5608+5delGTAAG).
Molecular consequence: splice donor variant.
Genome position (GRCh38, 1-based): chr18:21,520,824-21,520,828, GTAAG deleted; deleting any 5 consecutive bases within chr18:21,520,821-21,520,828 gives the same sequence; the c. name uses the placement nearest the transcript's 3' end. VCF-style (leftmost placement, unchanged base first): chr18-21520820-AAAGGT-A. GRCh37 (hg19) VCF-style: chr18-19100781-AAAGGT-A.
Other names: c.5737+1_5737+5del (NM_001410867.1); c.5281+1_5281+5del (NM_001410868.1).
Identifiers: ClinVar variation 5005866 (VCV005005866.2).